The following is an entry in ClinVar:

NM_001458.5(FLNC):c.699+1G>A

Gene: FLNC (filamin C; plus strand). Cytogenetic location: 7q32.1.
Variant type: single nucleotide variant.
Coding change: c.699+1G>A on transcript NM_001458.5 (MANE Select); the canonical splice donor site of the intron after coding-DNA position 699, G replaced by A.
Molecular consequence: splice donor variant.
Genome position (GRCh38, 1-based): chr7:128,837,258, G>A. VCF-style: chr7-128837258-G-A. GRCh37 (hg19) VCF-style: chr7-128477312-G-A.
Other names: c.699+1G>A (NM_001127487.2).
Identifiers: ClinVar variation 567368 (VCV000567368.9), dbSNP rs1562991776, ClinGen allele CA369221697.

ClinVar aggregate classification (germline): Likely pathogenic (1 of 4 stars; one submission).

Conditions:
Distal myopathy with posterior leg and anterior hand involvement. Also called: WILLIAMS DISTAL MYOPATHY. Identifiers: Orphanet 63273, MedGen C3279722, MONDO:0013550, OMIM 614065.
Myofibrillar myopathy 5. Also called: FILAMINOPATHY, AUTOSOMAL DOMINANT; Filaminopathy (type). Identifiers: Orphanet 171445, MedGen C1836050, MONDO:0012289, OMIM 609524.
Hypertrophic cardiomyopathy 26. Also called: Cardiomyopathy, familial hypertrophic, 26. Identifiers: Orphanet 75249, MedGen C4310749, MONDO:0014883, OMIM 617047.

Submission:

Labcorp Genetics (formerly Invitae), Labcorp
Classification: Likely pathogenic for Distal myopathy with posterior leg and anterior hand involvement; Myofibrillar myopathy 5; Hypertrophic cardiomyopathy 26. Last evaluated: 2022-07-26. Review status: criteria provided, single submitter. Criteria: Invitae Variant Classification Sherloc (09022015). Collection method: clinical testing. Allele origin: germline.
Comment: Algorithms developed to predict the effect of sequence changes on RNA splicing suggest that this variant may disrupt the consensus splice site. In summary, the currently available evidence indicates that the variant is pathogenic, but additional data are needed to prove that conclusively. Therefore, this variant has been classified as Likely Pathogenic. ClinVar contains an entry for this variant (Variation ID: 567368). This variant has not been reported in the literature in individuals affected with FLNC-related conditions. This variant is not present in population databases (gnomAD no frequency). This sequence change affects a donor splice site in intron 3 of the FLNC gene. It is expected to disrupt RNA splicing. Variants that disrupt the donor or acceptor splice site typically lead to a loss of protein function (PMID: 16199547), and loss-of-function variants in FLNC are known to be pathogenic (PMID: 27908349).

Literature cited by the submitters: PubMed 16199547; PubMed 27908349.